The following is an entry in ClinVar:

NM_002180.3(IGHMBP2):c.1060+1G>T

Gene: IGHMBP2 (immunoglobulin mu DNA binding protein 2; plus strand). Cytogenetic location: 11q13.3.
Variant type: single nucleotide variant.
Coding change: c.1060+1G>T on transcript NM_002180.3 (MANE Select); the canonical splice donor site of the intron after coding-DNA position 1060, G replaced by T.
Molecular consequence: splice donor variant.
Genome position (GRCh38, 1-based): chr11:68,917,884, G>T. VCF-style: chr11-68917884-G-T. GRCh37 (hg19) VCF-style: chr11-68685352-G-T.
Identifiers: ClinVar variation 637899 (VCV000637899.7), dbSNP rs1366461184, ClinGen allele CA381645048.

ClinVar aggregate classification (germline): Likely pathogenic. Review status: criteria provided, single submitter (1 of 4 stars). 2 submissions from 2 submitters: Likely pathogenic (1). 1 of the submissions does not count toward it. Last evaluated 2024-02-06.

Conditions:
Distal spinal muscular atrophy. Also called: Distal hereditary motor neuropathy; Distal hereditary motor neuronopathy. Identifiers: Orphanet 53739, MedGen C0393541, MONDO:0018894.
Charcot-Marie-Tooth disease axonal type 2S. Also called: CHARCOT-MARIE-TOOTH NEUROPATHY, TYPE 2S; CHARCOT-MARIE-TOOTH DISEASE, AXONAL, AUTOSOMAL RECESSIVE, TYPE 2S. Identifiers: Orphanet 443073, MedGen C4015349, MONDO:0014511, OMIM 616155.
Autosomal recessive distal spinal muscular atrophy 1. Also called: HMN VI; NEURONOPATHY, SEVERE INFANTILE AXONAL, WITH RESPIRATORY FAILURE; Spinal muscular atrophy with respiratory distress 1; NEURONOPATHY, DISTAL HEREDITARY MOTOR, HARDING TYPE VI; NEUROPATHY, DISTAL HEREDITARY MOTOR, AUTOSOMAL RECESSIVE 1; SEVERE INFANTILE AXONAL NEUROPATHY WITH RESPIRATORY FAILURE. Identifiers: Orphanet 98920, MedGen C1858517, MONDO:0011436, OMIM 604320.

Allele frequency attached by ClinVar (database versions not stated): gnomAD exomes below 0.00001.
gnomAD v4.1: 1 of 1,613,874 alleles (0.000062%); highest among the groups gnomAD compares: South Asian, 0.0011%; no homozygotes.

Submissions (2):

Labcorp Genetics (formerly Invitae), Labcorp
Classification: Likely pathogenic for Autosomal recessive distal spinal muscular atrophy 1; Charcot-Marie-Tooth disease axonal type 2S. Last evaluated: 2024-02-06. Review status: criteria provided, single submitter. Criteria: Invitae Variant Classification Sherloc (09022015). Collection method: clinical testing. Allele origin: germline.
Comment: This sequence change affects a donor splice site in intron 7 of the IGHMBP2 gene. It is expected to disrupt RNA splicing. Variants that disrupt the donor or acceptor splice site typically lead to a loss of protein function (PMID: 16199547), and loss-of-function variants in IGHMBP2 are known to be pathogenic (PMID: 14681881, 25439726, 25568292). This variant is not present in population databases (gnomAD no frequency). Disruption of this splice site has been observed in individual(s) with spinal muscular atrophy with respiratory distress (PMID: 17431882). ClinVar contains an entry for this variant (Variation ID: 637899). Algorithms developed to predict the effect of sequence changes on RNA splicing suggest that this variant may disrupt the consensus splice site. In summary, the currently available evidence indicates that the variant is pathogenic, but additional data are needed to prove that conclusively. Therefore, this variant has been classified as Likely Pathogenic.

Inherited Neuropathy Consortium
Classification: Uncertain significance for Distal spinal muscular atrophy. Review status: no assertion criteria provided. Collection method: literature only. Allele origin: germline. Affected: yes. Not counted in ClinVar's aggregate classification.

Literature cited by the submitters: PubMed 16199547 (cited by Labcorp Genetics (formerly Invitae), Labcorp); PubMed 14681881 (cited by Labcorp Genetics (formerly Invitae), Labcorp); PubMed 25439726 (cited by Labcorp Genetics (formerly Invitae), Labcorp); PubMed 25568292 (cited by Labcorp Genetics (formerly Invitae), Labcorp); PubMed 17431882 (cited by Labcorp Genetics (formerly Invitae), Labcorp); PubMed 16964485 (cited by Inherited Neuropathy Consortium).